The following is an entry in ClinVar:

ClinVar aggregate classification (germline): Uncertain significance. Review status: criteria provided, multiple submitters, no conflicts (2 of 4 stars). 2 submissions from 2 submitters: Uncertain significance (2). Last evaluated 2026-03-28.

Conditions:
Tuberous sclerosis 1 (TSC1). Identifiers: Orphanet 805, MedGen C1854465, MONDO:0008612, OMIM 191100.
Hereditary cancer-predisposing syndrome. Also called: Neoplastic Syndromes, Hereditary; Tumor predisposition; Hereditary Cancer Syndrome; Hereditary neoplastic syndrome. Identifiers: Orphanet 140162, MedGen C0027672, MeSH D009386, MONDO:0015356.

Submissions (2):

Ambry Genetics
Classification: Uncertain significance for Hereditary cancer-predisposing syndrome. Last evaluated: 2026-03-28. Review status: criteria provided, single submitter. Criteria: Ambry Variant Classification Scheme 2023. Collection method: clinical testing. Allele origin: germline.
Comment: The p.I909M variant (also known as c.2727T>G), located in coding exon 19 of the TSC1 gene, results from a T to G substitution at nucleotide position 2727. The isoleucine at codon 909 is replaced by methionine, an amino acid with highly similar properties. This amino acid position is conserved. In addition, this alteration is predicted to be tolerated by in silico analysis. Based on the available evidence, the clinical significance of this variant remains unclear.

Labcorp Genetics (formerly Invitae), Labcorp
Classification: Uncertain significance for Tuberous sclerosis 1. Last evaluated: 2025-11-03. Review status: criteria provided, single submitter. Criteria: Invitae Variant Classification Sherloc (09022015). Collection method: clinical testing. Allele origin: germline.
Comment: This sequence change replaces isoleucine, which is neutral and non-polar, with methionine, which is neutral and non-polar, at codon 909 of the TSC1 protein (p.Ile909Met). This variant is not present in population databases (gnomAD no frequency). This variant has not been reported in the literature in individuals affected with TSC1-related conditions. Invitae Evidence Modeling of protein sequence and biophysical properties (such as structural, functional, and spatial information, amino acid conservation, physicochemical variation, residue mobility, and thermodynamic stability) indicates that this missense variant is not expected to disrupt TSC1 protein function with a negative predictive value of 95%. In summary, the available evidence is currently insufficient to determine the role of this variant in disease. Therefore, it has been classified as a Variant of Uncertain Significance.

NM_000368.5(TSC1):c.2727T>G (p.Ile909Met)

Gene: TSC1 (TSC complex subunit 1; minus strand). Cytogenetic location: 9q34.13.
Variant type: single nucleotide variant.
Coding change: c.2727T>G on transcript NM_000368.5 (MANE Select); coding-DNA position 2727, T replaced by G.
Protein change: p.Ile909Met; replaces isoleucine 909 with methionine.
Molecular consequence: missense variant. On other transcripts: non-coding transcript variant (5).
Genome position (GRCh38, 1-based): chr9:132,897,509, A>C on the plus strand (T>G on the coding strand, the complement: TSC1 is on the minus strand). VCF-style: chr9-132897509-A-C. GRCh37 (hg19) VCF-style: chr9-135772896-A-C.
Other names: c.2571T>G, p.Ile857Met (NM_001406612.1, NM_001406611.1); c.2529T>G, p.Ile843Met (NM_001406613.1); c.2364T>G, p.Ile788Met (NM_001406614.1, NM_001406615.1, NM_001406616.1 and 4 more transcripts); c.2361T>G, p.Ile787Met (NM_001406620.1, NM_001406621.1, NM_001406622.1 and 1 more transcripts); c.2724T>G, p.Ile908Met (NM_001162426.2, NM_001406597.1, NM_001406598.1 and 2 more transcripts); c.2574T>G, p.Ile858Met (NM_001162427.2, NM_001406610.1); c.2727T>G, p.Ile909Met (NM_001406592.1, NM_001406593.1, NM_001406594.1 and 2 more transcripts); c.2712T>G, p.Ile904Met (NM_001406601.1, NM_001406602.1); and 8 more; short protein forms I592M, I903M, I558M, I774M, I787M, I843M, I894M, I908M.
Identifiers: ClinVar variation 4709624 (VCV004709624.2).
Genomic context (GRCh38, chr9:132,897,509, plus strand): 5'-ATATTTCTTCTGTTCCAAAAGAAGGTGGTCTTTCTTGGCCAGGTGAGATTCCAGTTCCAA[A>C]ATCCGTTTTTGGGAGGTATCAAGCCTCTGAGTCTGCTGGAGAACATGGCTTCTGTTTTTT-3'
Protein context (NP_000359.1, residues 899-919): TQRLDTSQKR[Ile909Met]LELESHLAKK